The following is an entry in ClinVar:

NM_001099403.2(PRDM8):c.328G>A (p.Gly110Arg)

Genes: PRDM8 (PR/SET domain 8; plus strand), LOC126807094 (CDK7 strongly-dependent group 2 enhancer GRCh37_chr4:81121978-81123177; plus strand). Cytogenetic location: 4q21.21.
Variant type: single nucleotide variant.
Coding change: c.328G>A on transcript NM_001099403.2 (MANE Select); coding-DNA position 328, G replaced by A.
Protein change: p.Gly110Arg; replaces glycine 110 with arginine.
Molecular consequence: missense variant.
Genome position (GRCh38, 1-based): chr4:80,201,398, G>A. VCF-style: chr4-80201398-G-A. GRCh37 (hg19) VCF-style: chr4-81122552-G-A.
Other names: c.328G>A, p.Gly110Arg (NM_020226.4); short protein forms G110R.
Identifiers: ClinVar variation 1497184 (VCV001497184.8), dbSNP rs199746703, ClinGen allele CA357392930.

ClinVar aggregate classification (germline): Uncertain significance (1 of 4 stars; one submission).

Conditions:
Early-onset Lafora body disease. Also called: Epilepsy, progressive myoclonic, 10. Identifiers: Orphanet 324290, MedGen C4225258, MONDO:0014717, OMIM 616640.

Submission:

Labcorp Genetics (formerly Invitae), Labcorp
Classification: Uncertain significance for Early-onset Lafora body disease. Last evaluated: 2020-12-28. Review status: criteria provided, single submitter. Criteria: Invitae Variant Classification Sherloc (09022015). Collection method: clinical testing. Allele origin: germline.
Comment: This sequence change replaces glycine with arginine at codon 110 of the PRDM8 protein (p.Gly110Arg). The glycine residue is highly conserved and there is a moderate physicochemical difference between glycine and arginine. In summary, the available evidence is currently insufficient to determine the role of this variant in disease. Therefore, it has been classified as a Variant of Uncertain Significance. Algorithms developed to predict the effect of missense changes on protein structure and function (SIFT, PolyPhen-2, Align-GVGD) all suggest that this variant is likely to be disruptive, but these predictions have not been confirmed by published functional studies and their clinical significance is uncertain. This variant has not been reported in the literature in individuals with PRDM8-related conditions. This variant is not present in population databases (ExAC no frequency).